The following is an entry in ClinVar:

NM_139027.6(ADAMTS13):c.2008C>T (p.Arg670Cys)

Gene: ADAMTS13 (ADAM metallopeptidase with thrombospondin type 1 motif 13; plus strand). Cytogenetic location: 9q34.2.
Variant type: single nucleotide variant.
Coding change: c.2008C>T on transcript NM_139027.6 (MANE Select); coding-DNA position 2008, C replaced by T.
Protein change: p.Arg670Cys; replaces arginine 670 with cysteine.
Molecular consequence: missense variant.
Genome position (GRCh38, 1-based): chr9:133,442,438, C>T. VCF-style: chr9-133442438-C-T. GRCh37 (hg19) VCF-style: chr9-136307559-C-T.
Other names: p.Arg670Cys; c.2008C>T (NM_139025.3); c.2008C>T, p.Arg670Cys (NM_139025.5); c.1915C>T, p.Arg639Cys (NM_139026.6); short protein forms R639C, R670C.
Identifiers: ClinVar variation 1694011 (VCV001694011.9), dbSNP rs139214644, ClinGen allele CA200933870.

ClinVar aggregate classification (germline): Conflicting classifications of pathogenicity. Review status: criteria provided, conflicting classifications (1 of 4 stars). 5 submissions from 5 submitters: Uncertain significance (3); Likely benign (1). 1 of the submissions does not count toward it. Last evaluated 2025-07-02.

Conditions:
Inborn genetic diseases. Identifiers: MedGen C0950123, MeSH D030342.
Upshaw-Schulman syndrome (TTP). Also called: THROMBOTIC THROMBOCYTOPENIC PURPURA, HEREDITARY; Congenital thrombotic thrombocytopenic purpura. Identifiers: Orphanet 93583, MedGen C1268935, MONDO:0010122, OMIM 274150.
ADAMTS13-related disorder. Also called: ADAMTS13-related condition.

Allele frequency attached by ClinVar (database versions not stated): gnomAD exomes 0.00004; ExAC 0.00006; gnomAD 0.00006 and 0.00008; TOPMed 0.00010; ESP Exome Variant Server 0.00031; 1000 Genomes Project 0.00040; 1000 Genomes Project 30x 0.00047.
gnomAD v4.1: 32 of 1,613,910 alleles (0.002%); highest among the groups gnomAD compares: African/African-American, 0.027%; no homozygotes.

Submissions (5):

Labcorp Genetics (formerly Invitae), Labcorp
Classification: Uncertain significance. Last evaluated: 2025-07-02. Review status: criteria provided, single submitter. Criteria: Invitae Variant Classification Sherloc (09022015). Collection method: clinical testing. Allele origin: germline.
Comment: This sequence change replaces arginine, which is basic and polar, with cysteine, which is neutral and slightly polar, at codon 670 of the ADAMTS13 protein (p.Arg670Cys). This variant is present in population databases (rs139214644, gnomAD 0.05%). This variant has not been reported in the literature in individuals affected with ADAMTS13-related conditions. ClinVar contains an entry for this variant (Variation ID: 1694011). Invitae Evidence Modeling of protein sequence and biophysical properties (such as structural, functional, and spatial information, amino acid conservation, physicochemical variation, residue mobility, and thermodynamic stability) indicates that this missense variant is not expected to disrupt ADAMTS13 protein function with a negative predictive value of 80%. In summary, the available evidence is currently insufficient to determine the role of this variant in disease. Therefore, it has been classified as a Variant of Uncertain Significance.

Ambry Genetics
Classification: Likely benign for Inborn genetic diseases. Last evaluated: 2024-01-23. Review status: criteria provided, single submitter. Criteria: Ambry Variant Classification Scheme 2023. Collection method: clinical testing. Allele origin: germline.

Mayo Clinic Laboratories, Mayo Clinic
Classification: Uncertain significance. Last evaluated: 2021-12-23. Review status: criteria provided, single submitter. Criteria: ACMG Guidelines, 2015. Collection method: clinical testing. Allele origin: germline.

Fulgent Genetics
Classification: Uncertain significance for Upshaw-Schulman syndrome. Last evaluated: 2021-11-11. Review status: criteria provided, single submitter. Criteria: ACMG Guidelines, 2015. Collection method: clinical testing. Allele origin: unknown.

PreventionGenetics, part of Exact Sciences
Classification: Uncertain significance for ADAMTS13-related condition. Last evaluated: 2024-08-08. Review status: no assertion criteria provided. Collection method: clinical testing. Allele origin: germline. Not counted in ClinVar's aggregate classification.
Comment: The ADAMTS13 c.2008C>T variant is predicted to result in the amino acid substitution p.Arg670Cys. To our knowledge, this variant has not been reported in the literature. This variant is reported in 0.040% of alleles in individuals of African descent in gnomAD. At this time, the clinical significance of this variant is uncertain due to the absence of conclusive functional and genetic evidence.